The following is an entry in ClinVar:

NM_152564.5(VPS13B):c.9183+1G>A

Gene: VPS13B (vacuolar protein sorting 13 homolog B; plus strand). Cytogenetic location: 8q22.2.
Variant type: single nucleotide variant.
Coding change: c.9183+1G>A on transcript NM_152564.5 (MANE Select); the canonical splice donor site of the intron after coding-DNA position 9183, G replaced by A.
Molecular consequence: splice donor variant.
Genome position (GRCh38, 1-based): chr8:99,821,483, G>A. VCF-style: chr8-99821483-G-A. GRCh37 (hg19) VCF-style: chr8-100833711-G-A.
Other names: c.9258+1G>A (NM_017890.5).
Identifiers: ClinVar variation 1478941 (VCV001478941.6), dbSNP rs2130822351, ClinGen allele CA371779451.
Genomic context (GRCh38, chr8:99,821,483, plus strand): 5'-GATGAAGAAGCGTTTGTTGATACTGAAATAAGACTTGGTGCTTTTCCAGGACATCAGAAG[G>A]TAAGATCAAAGTCTATGTGGCTGGGAGGAAATAGCATGCCATCCCCTTAACCTGTCTAAA-3'

ClinVar aggregate classification (germline): Likely pathogenic (1 of 4 stars; one submission).

Conditions:
Cohen syndrome (COH1). Also called: PEPPER SYNDROME; Cutis verticis gyrata, retinitis pigmentosa, and sensorineural deafness. Identifiers: Orphanet 193, MedGen C0265223, MONDO:0008999, OMIM 216550.

Allele frequency attached by ClinVar (database versions not stated): gnomAD exomes below 0.00001.
gnomAD v4.1: 1 of 1,613,578 alleles (0.000062%); highest among the groups gnomAD compares: Non-Finnish European, 0.000085%; no homozygotes.

Submission:

Labcorp Genetics (formerly Invitae), Labcorp
Classification: Likely pathogenic for Cohen syndrome. Last evaluated: 2022-10-28. Review status: criteria provided, single submitter. Criteria: Invitae Variant Classification Sherloc (09022015). Collection method: clinical testing. Allele origin: germline.
Comment: ClinVar contains an entry for this variant (Variation ID: 1478941). This variant has not been reported in the literature in individuals affected with VPS13B-related conditions. This variant is not present in population databases (gnomAD no frequency). This sequence change affects a donor splice site in intron 50 of the VPS13B gene. It is expected to disrupt RNA splicing. Variants that disrupt the donor or acceptor splice site typically lead to a loss of protein function (PMID: 16199547), and loss-of-function variants in VPS13B are known to be pathogenic (PMID: 15141358, 16648375, 20461111). Algorithms developed to predict the effect of sequence changes on RNA splicing suggest that this variant may disrupt the consensus splice site. In summary, the currently available evidence indicates that the variant is pathogenic, but additional data are needed to prove that conclusively. Therefore, this variant has been classified as Likely Pathogenic.

Literature cited by the submitters: PubMed 16199547; PubMed 15141358; PubMed 16648375; PubMed 20461111.